The following is an entry in ClinVar:

NM_000277.3(PAH):c.464G>A (p.Arg155His)

Gene: PAH (phenylalanine hydroxylase; minus strand). Cytogenetic location: 12q23.2.
Variant type: single nucleotide variant.
Coding change: c.464G>A on transcript NM_000277.3 (MANE Select); coding-DNA position 464, G replaced by A.
Protein change: p.Arg155His; replaces arginine 155 with histidine.
Molecular consequence: missense variant.
Genome position (GRCh38, 1-based): chr12:102,866,641, C>T on the plus strand (G>A on the coding strand, the complement: PAH is on the minus strand). VCF-style: chr12-102866641-C-T. GRCh37 (hg19) VCF-style: chr12-103260419-C-T.
Other names: c.464G>A (NM_000277.2); c.464G>A, p.Arg155His (NM_001354304.2); short protein forms R155H.
Identifiers: ClinVar variation 102686 (VCV000102686.30), dbSNP rs199475663, ClinGen allele CA229559.

ClinVar aggregate classification (germline): Pathogenic. Review status: reviewed by expert panel (3 of 4 stars). 12 submissions from 12 submitters: Pathogenic (1). 11 of the submissions do not count toward it. Last evaluated 2019-04-07.

Conditions:
Phenylketonuria (PKU). Also called: FOLLING DISEASE; Phenylketonurias; OLIGOPHRENIA PHENYLPYRUVICA; Phenylketonuria (PKU). Identifiers: Orphanet 716, MedGen C0031485, MONDO:0009861, OMIM 261600. Disease mechanism: loss of function.

Allele frequency attached by ClinVar (database versions not stated): ExAC 0.00002; gnomAD exomes 0.00002; gnomAD 0.00003; TOPMed 0.00003.
gnomAD v4.1: 46 of 1,613,504 alleles (0.0029%); highest among the groups gnomAD compares: Middle Eastern, 0.016%; no homozygotes.

Submissions (12):

ClinGen PAH Variant Curation Expert Panel
Classification: Pathogenic for Phenylketonuria. Last evaluated: 2019-04-07. Review status: reviewed by expert panel. Criteria: ClinGen PAH ACMG Specifications v1. Collection method: curation. Allele origin: germline. Inheritance: Autosomal recessive inheritance.
Comment: The c.464G>A (p.Arg155His) has been reported in multiple individuals with mild hyperphenylalaninaemia, with BH4 deficiency excluded including 3 siblings (PP4_moderate, PMID: 9634518; PP1, PMID:18937047). This variant has low frequency in ExAC/gnomad (MAF=0.00012) in EA population (PM2). Multiple lines of computational evidence support a deleterious effect (PP3). This variant has been detected with 3 pathogenic variants: R243Q (PMID: 23932990), R111X (PMID: 24401910), IVS4+5G>T c.441+5G>T (PMID: 26210745) (PM3-strong). Experimental study showed the R155H mutant retained 55% activity, but this is higher than the cutoff set by PAH VCEP for PS3. (PMID: 18937047). In summary, this variant meets criteria to be classified as pathogenic for PAH. PAH-specific ACMG/AMP criteria applied: PP4_Moderate, PM3_strong, PM2, PP3, PP1.

CeGaT Center for Human Genetics Tuebingen
Classification: Pathogenic. Last evaluated: 2026-06-01. Review status: criteria provided, single submitter. Criteria: CeGaT Center For Human Genetics Tuebingen Variant Classification Criteria Version 2. Collection method: clinical testing. Allele origin: germline. Affected: yes. Observed: 1 variant allele. Not counted in ClinVar's aggregate classification.
Comment: PAH: PM3:Very Strong, PM2, PM5, PP4:Moderate, PS3:Supporting

Natera, Inc.
Classification: Pathogenic for Phenylketonuria. Last evaluated: 2026-01-08. Review status: criteria provided, single submitter. Criteria: Natera Variant Classification Schema (03/2026). Collection method: clinical testing. Allele origin: germline. Not counted in ClinVar's aggregate classification.
Comment: The c.464G>A variant in PAH is a missense variant predicted to cause substitution of arginine to histidine at amino acid 155. This variant is rare in the general population with a frequency below the threshold expected for the associated phenotype(s). This variant has been observed in one or more individuals affected with the associated recessive disease, as either homozygous or compound heterozygous with a second variant (PMID: 31413878, 36104584). Given the available evidence, this variant is classified as Pathogenic.

GeneDx
Classification: Pathogenic. Last evaluated: 2025-08-18. Review status: criteria provided, single submitter. Criteria: GeneDx Variant Classification Process June 2021. Collection method: clinical testing. Allele origin: germline. Affected: yes. Not counted in ClinVar's aggregate classification.
Comment: R155H classified as variant associated with mild hyperphenylalaninemia (PMID: 9634518); however it has been reported in patients with mild and classic PKU (PMID: 21147011, 23932990); In vitro functional studies of p.(R155H) demonstrate a mild functional effect and is associated with mild hyperphenylalaninemia (PMID: 30037505, 18937047); Responsiveness to BH4 is unknown (PMID: 26210745); Not observed at significant frequency in large population cohorts (gnomAD); In silico analysis supports that this missense variant has a deleterious effect on protein structure/function; This variant is associated with the following publications: (PMID: 24401910, 28754886, 18937047, 27264808, 29499199, 23932990, 21147011, 30747360, 31980526, 30275481, 34426522, 32668217, 32778825, 35314707, 35095998, 33161754, 36646061, 36755623, 36845377, 36246604, 26210745, 9634518, 30037505, 38784038)

Labcorp Genetics (formerly Invitae), Labcorp
Classification: Pathogenic for Phenylketonuria. Last evaluated: 2025-01-27. Review status: criteria provided, single submitter. Criteria: Invitae Variant Classification Sherloc (09022015). Collection method: clinical testing. Allele origin: germline. Not counted in ClinVar's aggregate classification.
Comment: This sequence change replaces arginine, which is basic and polar, with histidine, which is basic and polar, at codon 155 of the PAH protein (p.Arg155His). This variant is present in population databases (rs199475663, gnomAD 0.01%). This missense change has been observed in individual(s) with hyperphenylalaninaemia and/or phenylketonuria (PMID: 18937047, 23932990, 24401910, 26210745, 28754886). It has also been observed to segregate with disease in related individuals. ClinVar contains an entry for this variant (Variation ID: 102686). Invitae Evidence Modeling of protein sequence and biophysical properties (such as structural, functional, and spatial information, amino acid conservation, physicochemical variation, residue mobility, and thermodynamic stability) indicates that this missense variant is expected to disrupt PAH protein function with a positive predictive value of 80%. Experimental studies have shown that this missense change affects PAH function (PMID: 18937047). For these reasons, this variant has been classified as Pathogenic.

Genomic Medicine Center of Excellence, King Faisal Specialist Hospital and Research Centre
Classification: Pathogenic for Phenylketonuria. Last evaluated: 2024-03-17. Review status: criteria provided, single submitter. Criteria: ACMG Guidelines, 2015. Collection method: research. Allele origin: germline. Not counted in ClinVar's aggregate classification.

Laboratory for Molecular Medicine, Mass General Brigham Personalized Medicine
Classification: Pathogenic for Phenylketonuria. Last evaluated: 2022-08-26. Review status: criteria provided, single submitter. Criteria: ACMG Guidelines, 2015. Collection method: clinical testing. Allele origin: germline. Not counted in ClinVar's aggregate classification.
Comment: The p.Arg155His variant in PAH has been reported in at least 19 individuals with phenylalanine hydroxylase deficiency/phenylketonuria (PKU)/hyperphenylalaninemia (HPA) (Trunzo 2015 PMID: 26210745, Liang 2014 PMID: 24401910, Zhu 2013 PMID: 23932990, Guldberg 1998 PMID: 9634518, and Cinar 2022 PMID: 35355500), including 4 siblings in one family and members of 5 additional families (Dabrowolski SF 2011 PMID: 21147011, Dabrowolski 2009 PMID: 18937047). All of these individuals were compound heterozygous for a second pathogenic PAH variant. It has been identified in 0.0003% of ASJ chromosomes by gnomAD. This variant was classified as pathogenic on 01/20/20 by the ClinGen PAH Variant Curation Expert Panel (Variation ID: 102686). Computational prediction tools suggest that this variant may impact the protein, though this information is not predictive enough to to determine pathogenecity. In vitro functional studies support an impact of p.Arg155His on protein function, although the degree of impact is debated (21% and 55% reduced activity as compared to wildtype, respectively) (Himmelreich 2018 PMID: 30037505, Dabrowolski 2008 PMID: 18937047). This variant occurs in exon 5 of PAH where numerous pathogenic variants in PAH have been identified, including at the same residue (p.Arg155Cys, p.Arg155Pro). In summary, c.464G>A (p.Arg155His) meets criteria to be classified as pathogenic for autosomal recessive PAH deficiency. ACMG/AMP Criteria applied: PM3_VeryStrong, PM5_Strong, PM2_Supporting, PP3, PP4, PS3_Supporting.

Fulgent Genetics
Classification: Pathogenic for Phenylketonuria. Last evaluated: 2022-05-12. Review status: criteria provided, single submitter. Criteria: ACMG Guidelines, 2015. Collection method: clinical testing. Allele origin: unknown. Not counted in ClinVar's aggregate classification.

Women's Health and Genetics/Laboratory Corporation of America, LabCorp
Classification: Pathogenic for Phenylketonuria. Last evaluated: 2019-06-11. Review status: criteria provided, single submitter. Criteria: LabCorp Variant Classification Summary - May 2015. Collection method: clinical testing. Allele origin: germline. Not counted in ClinVar's aggregate classification.
Comment: Variant summary: PAH c.464G>A (p.Arg155His) results in a non-conservative amino acid change located in the Aromatic amino acid hydroxylase domain (IPR019774) of the encoded protein sequence. Five of five in-silico tools predict a damaging effect of the variant on protein function. The variant allele was found at a frequency of 2e-05 in 251348 control chromosomes. c.464G>A has been reported in the literature in multiple individuals affected with Hyperphenylalaninemia (Guldberg_1998, Dobrowolski_2009) and Phenylketonuria (Trunzo_2015, Baturina_2016). These data indicate that the variant is very likely to be associated with disease. Several publications report experimental evidence evaluating an impact on protein function (Dobrowolski_2009, Himmelreich_2018) . The most pronounced variant effect results in 10%-<30% of normal activity. One clinical diagnostic laboratory has submitted clinical-significance assessments for this variant to ClinVar after 2014 without evidence for independent evaluation and classified the variant as pathogenic. Based on the evidence outlined above, the variant was classified as pathogenic.

Juno Genomics, Hangzhou Juno Genomics, Inc
Classification: Pathogenic for Phenylketonuria. Review status: criteria provided, single submitter. Criteria: ACMG Guidelines, 2015. Collection method: clinical testing. Allele origin: germline. Affected: yes. Not counted in ClinVar's aggregate classification.
Comment: Multiple lines of computational evidence support a deleterious effect on the gene or gene product.;For recessive disorders, detected in trans with a pathogenic variant.;Patient's phenotype or family history is highly specific for a disease with a single genetic etiology.;Co-segregation with disease in multiple affected family members.

DeBelle Laboratory for Biochemical Genetics, MUHC/MCH RESEARCH INSTITUTE
No classification provided. Review status: no classification provided. Collection method: not provided. Allele origin: not provided. Not counted in ClinVar's aggregate classification.

Neonatal Disease Screening Center, Medical Genetics Center, Huaihua City Maternal and Child Health Care Hospital
Classification: Pathogenic for Phenylketonuria. Review status: no assertion criteria provided. Criteria: ACMG Guidelines, 2015. Collection method: clinical testing. Allele origin: germline. Affected: yes. Observed: 1 variant allele. Not counted in ClinVar's aggregate classification.
Comment: PM2+PM3_VS+PP3+PP4_M

Literature cited by the submitters: PubMed 18937047 (cited by 3 submitters); PubMed 24401910 (cited by ClinGen PAH Variant Curation Expert Panel and Labcorp Genetics (formerly Invitae), Labcorp); PubMed 26210745 (cited by 3 submitters); PubMed 23932990 (cited by ClinGen PAH Variant Curation Expert Panel and Labcorp Genetics (formerly Invitae), Labcorp); PubMed 9634518 (cited by ClinGen PAH Variant Curation Expert Panel and Women's Health and Genetics/Laboratory Corporation of America, LabCorp); PubMed 31413878 (cited by Natera, Inc.); PubMed 36104584 (cited by Natera, Inc.); PubMed 28754886 (cited by Labcorp Genetics (formerly Invitae), Labcorp); PubMed 30037505 (cited by Women's Health and Genetics/Laboratory Corporation of America, LabCorp); PubMed 10980574 (cited by Women's Health and Genetics/Laboratory Corporation of America, LabCorp).